The following is an entry in ClinVar:

ClinVar aggregate classification (germline): Uncertain significance (1 of 4 stars; one submission).

Allele frequency attached by ClinVar (database versions not stated): TOPMed below 0.00001; gnomAD exomes 0.00001.
gnomAD v4.1: 3 of 1,566,938 alleles (0.00019%); highest among the groups gnomAD compares: East Asian, 0.0023%; no homozygotes.

Submission:

CeGaT Center for Human Genetics Tuebingen
Classification: Uncertain significance. Last evaluated: 2022-10-01. Review status: criteria provided, single submitter. Criteria: CeGaT Center For Human Genetics Tuebingen Variant Classification Criteria Version 2. Collection method: clinical testing. Allele origin: germline. Affected: yes. Observed: 1 variant allele.
Comment: ABCA8: PM2, BP4

NM_001288985.2(ABCA8):c.3316-8G>T

Gene: ABCA8 (ATP binding cassette subfamily A member 8; minus strand). Cytogenetic location: 17q24.2.
Variant type: single nucleotide variant.
Coding change: c.3316-8G>T on transcript NM_001288985.2 (MANE Select); 8 bases into the intron before coding-DNA position 3316, G replaced by T.
Molecular consequence: intron variant.
Genome position (GRCh38, 1-based): chr17:68,887,138, C>A on the plus strand (G>T on the coding strand, the complement: ABCA8 is on the minus strand). VCF-style: chr17-68887138-C-A. GRCh37 (hg19) VCF-style: chr17-66883279-C-A.
Other names: c.3133-8G>T (NM_001375771.1); c.1894-8G>T (NM_001375772.1); c.3196-8G>T (NM_007168.4); c.3316-8G>T (NM_001288986.2).
Identifiers: ClinVar variation 2648154 (VCV002648154.24), dbSNP rs1157651192, ClinGen allele CA627588238.